The following is an entry in ClinVar:

ClinVar aggregate classification (germline): Uncertain significance (1 of 4 stars; one submission).

Submission:

Labcorp Genetics (formerly Invitae), Labcorp
Classification: Uncertain significance. Last evaluated: 2022-12-16. Review status: criteria provided, single submitter. Criteria: Invitae Variant Classification Sherloc (09022015). Collection method: clinical testing. Allele origin: germline.
Comment: This sequence change replaces tyrosine, which is neutral and polar, with cysteine, which is neutral and slightly polar, at codon 288 of the MYH3 protein (p.Tyr288Cys). In summary, the available evidence is currently insufficient to determine the role of this variant in disease. Therefore, it has been classified as a Variant of Uncertain Significance. Advanced modeling of protein sequence and biophysical properties (such as structural, functional, and spatial information, amino acid conservation, physicochemical variation, residue mobility, and thermodynamic stability) performed at Invitae indicates that this missense variant is expected to disrupt MYH3 protein function. This variant has not been reported in the literature in individuals affected with MYH3-related conditions. This variant is not present in population databases (gnomAD no frequency).

NM_002470.4(MYH3):c.863A>G (p.Tyr288Cys)

Gene: MYH3 (myosin heavy chain 3; minus strand). Cytogenetic location: 17p13.1.
Variant type: single nucleotide variant.
Coding change: c.863A>G on transcript NM_002470.4 (MANE Select); coding-DNA position 863, A replaced by G.
Protein change: p.Tyr288Cys; replaces tyrosine 288 with cysteine.
Molecular consequence: missense variant.
Genome position (GRCh38, 1-based): chr17:10,647,217, T>C on the plus strand (A>G on the coding strand, the complement: MYH3 is on the minus strand). VCF-style: chr17-10647217-T-C. GRCh37 (hg19) VCF-style: chr17-10550534-T-C.
Other names: short protein forms Y288C.
Identifiers: ClinVar variation 2816253 (VCV002816253.3), dbSNP rs2508630955, ClinGen allele CA398177774.